The following is an entry in ClinVar:

ClinVar aggregate classification (germline): Uncertain significance. Review status: criteria provided, multiple submitters, no conflicts (2 of 4 stars). 4 submissions from 4 submitters: Uncertain significance (4). Last evaluated 2026-08-22.

Conditions:
Inborn genetic diseases. Identifiers: MedGen C0950123, MeSH D030342.

Allele frequency attached by ClinVar (database versions not stated): 1000 Genomes Project 30x 0.00016; gnomAD 0.00016 and 0.00017; 1000 Genomes Project 0.00020; ESP Exome Variant Server 0.00023; gnomAD exomes 0.00024 and 0.00030; TOPMed 0.00024; ExAC 0.00028.
gnomAD v4.1: 386 of 1,614,194 alleles (0.024%); highest among the groups gnomAD compares: Admixed American, 0.12%; no homozygotes.

Submissions (4):

GeneDx
Classification: Uncertain significance. Last evaluated: 2026-08-22. Review status: criteria provided, single submitter. Criteria: GeneDx Variant Classification Process June 2021. Collection method: clinical testing. Allele origin: germline.
Comment: In silico analysis suggests that this missense variant does not alter protein structure/function; Has not been previously published as pathogenic or benign to our knowledge

Blueprint Genetics
Classification: Uncertain significance. Last evaluated: 2024-11-21. Review status: criteria provided, single submitter. Criteria: ACMG Guidelines, 2015. Collection method: clinical testing. Allele origin: germline.

Ambry Genetics
Classification: Uncertain significance for Inborn genetic diseases. Last evaluated: 2023-12-26. Review status: criteria provided, single submitter. Criteria: Ambry Variant Classification Scheme 2023. Collection method: clinical testing. Allele origin: germline.

Labcorp Genetics (formerly Invitae), Labcorp
Classification: Uncertain significance. Last evaluated: 2022-11-22. Review status: criteria provided, single submitter. Criteria: Invitae Variant Classification Sherloc (09022015). Collection method: clinical testing. Allele origin: germline.
Comment: This sequence change replaces glycine, which is neutral and non-polar, with valine, which is neutral and non-polar, at codon 455 of the TRAK1 protein (p.Gly455Val). In summary, the available evidence is currently insufficient to determine the role of this variant in disease. Therefore, it has been classified as a Variant of Uncertain Significance. Algorithms developed to predict the effect of missense changes on protein structure and function (SIFT, PolyPhen-2, Align-GVGD) all suggest that this variant is likely to be tolerated. ClinVar contains an entry for this variant (Variation ID: 1436678). This variant has not been reported in the literature in individuals affected with TRAK1-related conditions. This variant is present in population databases (rs77593921, gnomAD 0.1%).

NM_001042646.3(TRAK1):c.1364G>T (p.Gly455Val)

Gene: TRAK1 (trafficking kinesin protein 1; plus strand). Cytogenetic location: 3p22.1.
Variant type: single nucleotide variant.
Coding change: c.1364G>T on transcript NM_001042646.3 (MANE Select); coding-DNA position 1364, G replaced by T.
Protein change: p.Gly455Val; replaces glycine 455 with valine.
Molecular consequence: missense variant. On other transcripts: non-coding transcript variant (1).
Genome position (GRCh38, 1-based): chr3:42,200,991, G>T. VCF-style: chr3-42200991-G-T. GRCh37 (hg19) VCF-style: chr3-42242483-G-T.
Other names: c.1364G>T, p.Gly455Val (NM_001265608.2, NM_001349246.2, NM_001349247.2); c.1142G>T, p.Gly381Val (NM_001265609.2, NM_001265610.1, NM_001349248.1 and 1 more transcripts); c.1052G>T, p.Gly351Val (NM_001349245.1); c.1190G>T, p.Gly397Val (NM_014965.5); c.1364G>T (NM_001042646.2, NM_001042646.1); short protein forms G381V, G351V, G397V, G455V.
Identifiers: ClinVar variation 1436678 (VCV001436678.8), dbSNP rs77593921, ClinGen allele CA2333460.
Genomic context (GRCh38, chr3:42,200,991, plus strand): 5'-ACTCCCTCCTGTCCAGCTGCGTCAGCACCCCCCGGTCCAGCTTCTACGGCAGCGACATAG[G>T]CAACGTCGTCCTCGACAACAAGACCAACAGCATCATTCTGGAAACAGAGGCAGCCGACCT-3'
Protein context (NP_001036111.1, residues 445-465): PRSSFYGSDI[Gly455Val]NVVLDNKTNS